The following is an entry in ClinVar:

ClinVar aggregate classification (germline): Likely benign. Review status: criteria provided, multiple submitters, no conflicts (2 of 4 stars). 4 submissions from 4 submitters: Likely benign (4). Last evaluated 2024-10-23.

Conditions:
Diamond-Blackfan anemia 6 (DBA6). Also called: RPL5-Related Diamond-Blackfan Anemia. Identifiers: Orphanet 124, MedGen C2931850, MONDO:0012937, OMIM 612561.

Allele frequency attached by ClinVar (database versions not stated): gnomAD 0.00004; gnomAD exomes 0.00006 and 0.00011; ExAC 0.00007; TOPMed 0.00007; ESP Exome Variant Server 0.00031.
gnomAD v4.1: 100 of 1,614,014 alleles (0.0062%); highest among the groups gnomAD compares: Middle Eastern, 0.016%; no homozygotes.

Submissions (4):

Blueprint Genetics
Classification: Likely benign. Last evaluated: 2024-10-23. Review status: criteria provided, single submitter. Criteria: ACMG Guidelines, 2015. Collection method: clinical testing. Allele origin: germline.

Fulgent Genetics
Classification: Likely benign for Diamond-Blackfan anemia 6. Last evaluated: 2022-05-09. Review status: criteria provided, single submitter. Criteria: ACMG Guidelines, 2015. Collection method: clinical testing. Allele origin: unknown.

Illumina Laboratory Services, Illumina
Classification: Likely benign for Diamond-Blackfan anemia 6. Last evaluated: 2018-01-12. Review status: criteria provided, single submitter. Criteria: ICSL Variant Classification Criteria 13 December 2019. Collection method: clinical testing. Allele origin: germline.
Comment: This variant was observed in the ICSL laboratory as part of a predisposition screen in an ostensibly healthy population. It had not been previously curated by ICSL or reported in the Human Gene Mutation Database (HGMD: prior to June 1st, 2018), and was therefore a candidate for classification through an automated scoring system. Utilizing variant allele frequency, disease prevalence and penetrance estimates, and inheritance mode, an automated score was calculated to assess if this variant is too frequent to cause the disease. Based on the score and internal cut-off values, a variant classified as likely benign is not then subjected to further curation. The score for this variant resulted in a classification of likely benign for this disease.

GeneDx
Classification: Likely benign. Last evaluated: 2017-05-30. Review status: criteria provided, single submitter. Criteria: GeneDx Variant Classification (06012015). Collection method: clinical testing. Allele origin: germline. Affected: yes.
Comment: This variant is considered likely benign or benign based on one or more of the following criteria: it is a conservative change, it occurs at a poorly conserved position in the protein, it is predicted to be benign by multiple in silico algorithms, and/or has population frequency not consistent with disease.

NM_000969.5(RPL5):c.-6C>T

Gene: RPL5 (ribosomal protein L5; plus strand). Cytogenetic location: 1p22.1.
Variant type: single nucleotide variant.
Coding change: c.-6C>T on transcript NM_000969.5 (MANE Select); 6 bases upstream of the start codon, C replaced by T.
Molecular consequence: 5 prime UTR variant. On other transcripts: non-coding transcript variant (1).
Genome position (GRCh38, 1-based): chr1:92,832,109, C>T. VCF-style: chr1-92832109-C-T. GRCh37 (hg19) VCF-style: chr1-93297666-C-T.
Other names: c.-6C>T (LRG_1155t1).
Identifiers: ClinVar variation 298206 (VCV000298206.7), dbSNP rs199523145, ClinGen allele CA952294.